The following is an entry in ClinVar:

NM_001353345.2(SETD1B):c.1094G>T (p.Gly365Val)

Gene: SETD1B (SET domain containing 1B, histone lysine methyltransferase; plus strand). Cytogenetic location: 12q24.31.
Variant type: single nucleotide variant.
Coding change: c.1094G>T on transcript NM_001353345.2 (MANE Select); coding-DNA position 1094, G replaced by T.
Protein change: p.Gly365Val; replaces glycine 365 with valine.
Molecular consequence: missense variant.
Genome position (GRCh38, 1-based): chr12:121,810,039, G>T. VCF-style: chr12-121810039-G-T. GRCh37 (hg19) VCF-style: chr12-122247945-G-T.
Other names: NM_015048.1:c.1094G>T; short protein forms G365V.
Identifiers: ClinVar variation 2368233 (VCV002368233.7), dbSNP rs375525174, ClinGen allele CA244636219.

ClinVar aggregate classification (germline): Conflicting classifications of pathogenicity. Review status: criteria provided, conflicting classifications (1 of 4 stars). 2 submissions from 2 submitters: Uncertain significance (1); Likely benign (1). Last evaluated 2025-12-01.

Conditions:
Inborn genetic diseases. Identifiers: MedGen C0950123, MeSH D030342.

Allele frequency attached by ClinVar (database versions not stated): gnomAD exomes 0.00002; TOPMed 0.00003; gnomAD 0.00007; 1000 Genomes Project 0.00040; 1000 Genomes Project 30x 0.00094.
gnomAD v4.1: 56 of 1,550,280 alleles (0.0036%); highest among the groups gnomAD compares: East Asian, 0.034%; 2 homozygotes.

Submissions (2):

CeGaT Center for Human Genetics Tuebingen
Classification: Likely benign. Last evaluated: 2025-12-01. Review status: criteria provided, single submitter. Criteria: CeGaT Center For Human Genetics Tuebingen Variant Classification Criteria Version 2. Collection method: clinical testing. Allele origin: germline. Affected: yes. Observed: 1 variant allele.
Comment: SETD1B: BS2

Ambry Genetics
Classification: Uncertain significance for Inborn genetic diseases. Last evaluated: 2021-09-09. Review status: criteria provided, single submitter. Criteria: Ambry Variant Classification Scheme 2023. Collection method: clinical testing. Allele origin: germline.